The following is an entry in ClinVar:

ClinVar aggregate classification (germline): Pathogenic (1 of 4 stars; one submission).

Conditions:
Early-infantile DEE. Also called: Early infantile epileptic encephalopathy with suppression bursts; Early infantile epileptic encephalopathy; Ohtahara syndrome. Identifiers: Orphanet 1934, MedGen C0393706, MONDO:0800491.

Submission:

Labcorp Genetics (formerly Invitae), Labcorp
Classification: Pathogenic for Early-infantile DEE. Last evaluated: 2025-09-02. Review status: criteria provided, single submitter. Criteria: Invitae Variant Classification Sherloc (09022015). Collection method: clinical testing. Allele origin: germline.
Comment: This sequence change replaces valine, which is neutral and non-polar, with methionine, which is neutral and non-polar, at codon 1330 of the SCN8A protein (p.Val1330Met). This variant is not present in population databases (gnomAD no frequency). This missense change has been observed in individual(s) with SCN8A-related conditions (PMID: 31887642). In at least one individual the variant was observed to be de novo. ClinVar contains an entry for this variant (Variation ID: 1721655). Invitae Evidence Modeling of protein sequence and biophysical properties (such as structural, functional, and spatial information, amino acid conservation, physicochemical variation, residue mobility, and thermodynamic stability) indicates that this missense variant is expected to disrupt SCN8A protein function with a positive predictive value of 95%. For these reasons, this variant has been classified as Pathogenic.

Literature cited by the submitters: PubMed 31887642.

NM_001330260.2(SCN8A):c.3988G>A (p.Val1330Met)

Gene: SCN8A (sodium voltage-gated channel alpha subunit 8; plus strand). Cytogenetic location: 12q13.13.
Variant type: single nucleotide variant.
Coding change: c.3988G>A on transcript NM_001330260.2 (MANE Select); coding-DNA position 3988, G replaced by A.
Protein change: p.Val1330Met; replaces valine 1330 with methionine.
Molecular consequence: missense variant.
Genome position (GRCh38, 1-based): chr12:51,786,587, G>A. VCF-style: chr12-51786587-G-A. GRCh37 (hg19) VCF-style: chr12-52180371-G-A.
Other names: c.3865G>A, p.Val1289Met (NM_001177984.3, NM_001369788.1); c.3988G>A, p.Val1330Met (NM_014191.4); short protein forms V1289M, V1330M.
Identifiers: ClinVar variation 1721655 (VCV001721655.6), dbSNP rs2540301979, ClinGen allele CA384904634.